The following is an entry in ClinVar:

NM_003000.3(SDHB):c.605dup (p.Asn202fs)

Gene: SDHB (succinate dehydrogenase complex iron sulfur subunit B; minus strand). Cytogenetic location: 1p36.13.
Variant type: Duplication.
Coding change: c.605dup on transcript NM_003000.3 (MANE Select); coding-DNA position 605, one base duplicated (A; older notation c.605dupA).
Protein change: p.Asn202fs; shifts the reading frame from asparagine 202.
Molecular consequence: frameshift variant.
Genome position (GRCh38, 1-based): chr1:17,024,010, T duplicated on the plus strand (A on the coding strand, the reverse complement: SDHB is on the minus strand); the first of 2 consecutive T bases (chr1:17,024,010-17,024,011); duplicating either gives the same sequence. VCF-style (leftmost placement, unchanged base first): chr1-17024009-G-GT. GRCh37 (hg19) VCF-style: chr1-17350504-G-GT.
Other names: c.605dupA (NM_003000.2); short protein forms N202fs.
Identifiers: ClinVar variation 428922 (VCV000428922.11), dbSNP rs1131691053, ClinGen allele CA645369143.

ClinVar aggregate classification (germline): Pathogenic/Likely pathogenic. Review status: criteria provided, multiple submitters, no conflicts (2 of 4 stars). 3 submissions from 3 submitters: Pathogenic (2); Likely pathogenic (1). Last evaluated 2025-03-25.

Conditions:
Pheochromocytoma/paraganglioma syndrome 4. Also called: PARAGANGLIOMA, FAMILIAL MALIGNANT; PARAGANGLIOMAS, HEREDITARY EXTRAADRENAL; PHEOCHROMOCYTOMA, FAMILIAL EXTRAADRENAL; Paragangliomas 4; CAROTID BODY TUMORS AND MULTIPLE EXTRAADRENAL PHEOCHROMOCYTOMAS; SDHB-Related Hereditary Paraganglioma-Pheochromocytoma Syndrome (Paragangliomas 4). Identifiers: Orphanet 29072, MedGen C1861848, MONDO:0007273, OMIM 115310.
Gastrointestinal stromal tumor. Also called: Gastrointestinal stroma tumor; Gastrointestinal stromal tumor, somatic. Identifiers: Orphanet 44890, MedGen C0238198, MeSH D046152, MONDO:0011719, OMIM 606764, HP:0100723.
Pheochromocytoma. Also called: MAX-Related Hereditary Paraganglioma-Pheochromocytoma Syndrome. Identifiers: Orphanet 29072, MedGen C0031511, MONDO:0008233, OMIM 171300, HP:0002666.
Hereditary cancer-predisposing syndrome. Also called: Neoplastic Syndromes, Hereditary; Hereditary Cancer Syndrome; Hereditary neoplastic syndrome; Tumor predisposition. Identifiers: Orphanet 140162, MedGen C0027672, MeSH D009386, MONDO:0015356.

Submissions (3):

Labcorp Genetics (formerly Invitae), Labcorp
Classification: Pathogenic for Gastrointestinal stromal tumor; Pheochromocytoma/paraganglioma syndrome 4; Pheochromocytoma. Last evaluated: 2025-03-25. Review status: criteria provided, single submitter. Criteria: Invitae Variant Classification Sherloc (09022015). Collection method: clinical testing. Allele origin: germline.
Comment: This sequence change creates a premature translational stop signal (p.Asn202Lysfs*20) in the SDHB gene. It is expected to result in an absent or disrupted protein product. Loss-of-function variants in SDHB are known to be pathogenic (PMID: 19454582, 19802898). This variant is not present in population databases (gnomAD no frequency). This variant has not been reported in the literature in individuals affected with SDHB-related conditions. ClinVar contains an entry for this variant (Variation ID: 428922). For these reasons, this variant has been classified as Pathogenic.

Quest Diagnostics Nichols Institute San Juan Capistrano
Classification: Likely pathogenic. Last evaluated: 2024-06-12. Review status: criteria provided, single submitter. Criteria: Quest Diagnostics criteria. Collection method: clinical testing. Allele origin: unknown.
Comment: The SDHB c.605dup (p.Asn202Lysfs*20) variant alters the translational reading frame of the SDHB mRNA and is predicted to cause the premature termination of SDHB protein synthesis. This variant has not been reported in individuals with SDHB-related conditions in the published literature. This variant has not been reported in large, multi-ethnic general populations (Genome Aggregation Database). Based on the available information, this variant is classified as likely pathogenic.

Ambry Genetics
Classification: Pathogenic for Hereditary cancer-predisposing syndrome. Last evaluated: 2013-06-17. Review status: criteria provided, single submitter. Criteria: Ambry Autosomal Dominant and X-Linked criteria (10/2015). Collection method: clinical testing. Allele origin: germline. Observed: 1 variant allele.
Comment: Ã¢â‚¬â€¹The c.605dupA pathogenic mutation, located in coding exon 6 of the SDHB gene, results from a duplication of A at position 605, causing a translational frameshift with a predicted alternate stop codon. Since frameshifts are typically deleterious in nature, this alteration is interpreted as a disease-causing mutation (ACMG Recommendations for Standards for Interpretation and Reporting of Sequence Variations. Revision 2007. Genet Med. 2008;10:294).

Literature cited by the submitters: PubMed 19454582 (cited by Labcorp Genetics (formerly Invitae), Labcorp); PubMed 19802898 (cited by Labcorp Genetics (formerly Invitae), Labcorp).